The following is an entry in ClinVar:

ClinVar aggregate classification (germline): Uncertain significance (1 of 4 stars; one submission).

Submission:

GeneDx
Classification: Uncertain significance. Last evaluated: 2021-01-08. Review status: criteria provided, single submitter. Criteria: GeneDx Variant Classification Process June 2021. Collection method: clinical testing. Allele origin: germline. Affected: yes.
Comment: Not observed in large population cohorts (Lek et al., 2016); In silico analysis supports that this missense variant has a deleterious effect on protein structure/function; Has not been previously published as pathogenic or benign to our knowledge

NM_000260.4(MYO7A):c.1539G>C (p.Glu513Asp)

Gene: MYO7A (myosin VIIA; plus strand). Cytogenetic location: 11q13.5.
Variant type: single nucleotide variant.
Coding change: c.1539G>C on transcript NM_000260.4 (MANE Select); coding-DNA position 1539, G replaced by C.
Protein change: p.Glu513Asp; replaces glutamic acid 513 with aspartic acid.
Molecular consequence: missense variant.
Genome position (GRCh38, 1-based): chr11:77,162,315, G>C. VCF-style: chr11-77162315-G-C. GRCh37 (hg19) VCF-style: chr11-76873361-G-C.
Other names: c.1539G>C, p.Glu513Asp (NM_001127180.2); c.1506G>C, p.Glu502Asp (NM_001369365.1); short protein forms E502D, E513D.
Identifiers: ClinVar variation 1313976 (VCV001313976.2), dbSNP rs2135304259, ClinGen allele CA381935798.